The following is an entry in ClinVar:

NM_152703.5(SAMD9L):c.1158G>A (p.Met386Ile)

Gene: SAMD9L (sterile alpha motif domain containing 9 like; minus strand). Cytogenetic location: 7q21.2.
Variant type: single nucleotide variant.
Coding change: c.1158G>A on transcript NM_152703.5 (MANE Select); coding-DNA position 1158, G replaced by A.
Protein change: p.Met386Ile; replaces methionine 386 with isoleucine.
Molecular consequence: missense variant.
Genome position (GRCh38, 1-based): chr7:93,134,814, C>T on the plus strand (G>A on the coding strand, the complement: SAMD9L is on the minus strand). VCF-style: chr7-93134814-C-T. GRCh37 (hg19) VCF-style: chr7-92764127-C-T.
Other names: c.1158G>A, p.Met386Ile (NM_001303496.3, NM_001303497.3, NM_001303498.3 and 5 more transcripts); short protein forms M386I.
Identifiers: ClinVar variation 4630070 (VCV004630070.1).
Genomic context (GRCh38, chr7:93,134,814, plus strand): 5'-TCGGTTTCCTATGAGAAGTTTAACCAGCTTTAGTCCTTCACTCTCCTTCTTCATTGCCTT[C>T]ATTCCATACTCTTCTTCAGCCTCTTTTCTAGATGCTACCAGTGACTTTAAATTTTGTAAA-3'
Protein context (NP_689916.2, residues 376-396): SRKEAEEEYG[Met386Ile]KAMKKESEGL

ClinVar aggregate classification (germline): Uncertain significance (1 of 4 stars; one submission).

Conditions:
Inborn genetic diseases. Identifiers: MedGen C0950123, MeSH D030342.

gnomAD v4.1: 2 of 1,613,600 alleles (0.00012%); highest among the groups gnomAD compares: Admixed American, 0.0017%; no homozygotes.

Submission:

Ambry Genetics
Classification: Uncertain significance for Inborn genetic diseases. Last evaluated: 2025-10-22. Review status: criteria provided, single submitter. Criteria: Ambry Variant Classification Scheme 2023. Collection method: clinical testing. Allele origin: germline.
Comment: The p.M386I variant (also known as c.1158G>A), located in coding exon 1 of the SAMD9L gene, results from a G to A substitution at nucleotide position 1158. The methionine at codon 386 is replaced by isoleucine, an amino acid with highly similar properties. This amino acid position is conserved. In addition, this alteration is predicted to be tolerated by in silico analysis. Based on the available evidence, the clinical significance of this variant remains unclear.